The following is an entry in ClinVar:

ClinVar aggregate classification (germline): Pathogenic/Likely pathogenic. Review status: criteria provided, multiple submitters, no conflicts (2 of 4 stars). 2 submissions from 2 submitters: Pathogenic (1); Likely pathogenic (1). Last evaluated 2024-09-04.

Conditions:
Citrullinemia type I (CTNL1). Also called: ASS DEFICIENCY; argininosuccinate synthetase deficiency. Identifiers: Orphanet 247525, MedGen C4721769, MONDO:0008988, OMIM 215700.
Citrullinemia. Identifiers: Orphanet 187, MedGen C0175683, MONDO:0015991.

gnomAD v4.1: 3 of 1,614,096 alleles (0.00019%); highest among the groups gnomAD compares: Non-Finnish European, 0.00025%; no homozygotes.

Submissions (2):

Natera, Inc.
Classification: Likely pathogenic for Citrullinemia type I. Last evaluated: 2024-09-04. Review status: criteria provided, single submitter. Criteria: Natera Variant Classification Schema (03/2026). Collection method: clinical testing. Allele origin: germline.
Comment: The c.537G>A variant in ASS1 is a nonsense variant predicted to introduce a stop codon at amino acid 179. This variant is expected to result in nonsense mediated decay, truncation, or a dysfunctional protein product. This variant is rare in the general population with a frequency below the threshold expected for the associated phenotype(s). Given the available evidence, this variant is classified as Likely Pathogenic.

Labcorp Genetics (formerly Invitae), Labcorp
Classification: Pathogenic for Citrullinemia. Last evaluated: 2022-05-05. Review status: criteria provided, single submitter. Criteria: Invitae Variant Classification Sherloc (09022015). Collection method: clinical testing. Allele origin: germline.
Comment: This sequence change creates a premature translational stop signal (p.Trp179*) in the ASS1 gene. It is expected to result in an absent or disrupted protein product. Loss-of-function variants in ASS1 are known to be pathogenic (PMID: 18473344, 19006241). For these reasons, this variant has been classified as Pathogenic. This variant has not been reported in the literature in individuals affected with ASS1-related conditions. This variant is not present in population databases (gnomAD no frequency).

Literature cited by the submitters: PubMed 18473344 (cited by Labcorp Genetics (formerly Invitae), Labcorp); PubMed 19006241 (cited by Labcorp Genetics (formerly Invitae), Labcorp).

NM_054012.4(ASS1):c.537G>A (p.Trp179Ter)

Gene: ASS1 (argininosuccinate synthase 1; plus strand). Cytogenetic location: 9q34.11.
Variant type: single nucleotide variant.
Coding change: c.537G>A on transcript NM_054012.4 (MANE Select); coding-DNA position 537, G replaced by A.
Protein change: p.Trp179Ter; replaces tryptophan 179 with a stop codon.
Molecular consequence: nonsense.
Genome position (GRCh38, 1-based): chr9:130,470,875, G>A. VCF-style: chr9-130470875-G-A. GRCh37 (hg19) VCF-style: chr9-133346262-G-A.
Other names: c.537G>A, p.Trp179Ter (NM_000050.4); short protein forms W179*.
Identifiers: ClinVar variation 2134004 (VCV002134004.5), dbSNP rs1409764603, ClinGen allele CA375227210.